The following is an entry in ClinVar:

ClinVar aggregate classification (germline): Conflicting classifications of pathogenicity. Review status: criteria provided, conflicting classifications (1 of 4 stars). 8 submissions from 8 submitters: Uncertain significance (2); Benign (1); Likely benign (4). 1 of the submissions does not count toward it. Last evaluated 2025-12-18.

Conditions:
CACNA1S-related disorder. Also called: CACNA1S-related condition.
Hypokalemic periodic paralysis, type 1. Also called: Hypokalemic Periodic Paralysis Type 1 (AD); HypoPP. Identifiers: Orphanet 681, MedGen C3714580, MONDO:0042979, OMIM 170400.
Malignant hyperthermia, susceptibility to, 5 (MHS5). Also called: CACNA1S-Related Malignant Hyperthermia Susceptibility. Identifiers: Orphanet 423, MedGen C1866077, MONDO:0011163, OMIM 601887.
Thyrotoxic periodic paralysis, susceptibility to, 1 (TTPP1). Identifiers: Orphanet 79102, MedGen C2749982, MONDO:0008570, OMIM 188580.
Congenital myopathy 18. Also called: Myopathy, congenital, due to dihydropyridine receptor defect; DIHYDROPYRIDINE RECEPTOR CONGENITAL MYOPATHY; DHPR CONGENITAL MYOPATHY. Identifiers: MedGen C5830283, MONDO:0859514, OMIM 620246.

Allele frequency attached by ClinVar (database versions not stated): ExAC 0.00013; gnomAD 0.00030 and 0.00031; ESP Exome Variant Server 0.00031; TOPMed 0.00033; 1000 Genomes Project 0.00060; 1000 Genomes Project 30x 0.00062.
gnomAD v4.1: 122 of 1,614,174 alleles (0.0076%); highest among the groups gnomAD compares: African/African-American, 0.081%; no homozygotes.

Submissions (8):

Labcorp Genetics (formerly Invitae), Labcorp
Classification: Likely benign for Hypokalemic periodic paralysis, type 1; Malignant hyperthermia, susceptibility to, 5. Last evaluated: 2025-12-18. Review status: criteria provided, single submitter. Criteria: Invitae Variant Classification Sherloc (09022015). Collection method: clinical testing. Allele origin: germline.

GeneDx
Classification: Uncertain significance. Last evaluated: 2025-11-04. Review status: criteria provided, single submitter. Criteria: GeneDx Variant Classification Process June 2021. Collection method: clinical testing. Allele origin: germline. Affected: yes.
Comment: Identified in an asymptomatic individual in a study of malignant hyperthermia susceptibility (PMID: 24195946); In silico analysis suggests that this missense variant does not alter protein structure/function; This variant is associated with the following publications: (PMID: 24195946)

Blueprint Genetics
Classification: Uncertain significance. Last evaluated: 2024-11-13. Review status: criteria provided, single submitter. Criteria: ACMG Guidelines, 2015. Collection method: clinical testing. Allele origin: germline.

Fulgent Genetics
Classification: Likely benign for Hypokalemic periodic paralysis, type 1; Thyrotoxic periodic paralysis, susceptibility to, 1; Malignant hyperthermia, susceptibility to, 5; Congenital myopathy 18. Last evaluated: 2024-02-28. Review status: criteria provided, single submitter. Criteria: ACMG Guidelines, 2015. Collection method: clinical testing. Allele origin: germline.

Women's Health and Genetics/Laboratory Corporation of America, LabCorp
Classification: Likely benign. Last evaluated: 2023-10-18. Review status: criteria provided, single submitter. Criteria: LabCorp Variant Classification Summary - May 2015. Collection method: clinical testing. Allele origin: germline.
Comment: Variant summary: CACNA1S c.2957G>A (p.Arg986His) results in a non-conservative amino acid change located in the Ion transport domain (IPR005821) of the encoded protein sequence. Three of five in-silico tools predict a benign effect of the variant on protein function. The variant allele was found at a frequency of 0.0001 in 251088 control chromosomes, predominantly at a frequency of 0.0008 within the African or African-American subpopulation in the gnomAD database. The observed variant frequency within African or African-American control individuals in the gnomAD database is approximately 640 fold of the estimated maximal expected allele frequency for a pathogenic variant in CACNA1S causing Hypokalemic Periodic Paralysis phenotype (1.3e-06), strongly suggesting that the variant is a benign polymorphism found primarily in populations of African or African-American origin. c.2957G>A has been reported in the literature in an individual with Sjogren's syndrome and hypothyroidism (Gonsalves_2013). This report does not provide unequivocal conclusions about association of the variant with Hypokalemic Periodic Paralysis. To our knowledge, no experimental evidence demonstrating an impact on protein function has been reported. The following publication has been ascertained in the context of this evaluation (PMID: 24195946). Three submitters have cited clinical-significance assessments for this variant to ClinVar after 2014, and classified it as benign (n=1), likely benign (n=1), or uncertain significance (n=1). Based on the evidence outlined above, the variant was classified as likely benign.

Color Diagnostics, LLC DBA Color Health
Classification: Likely benign for Malignant hyperthermia, susceptibility to, 5. Last evaluated: 2023-01-27. Review status: criteria provided, single submitter. Criteria: ACMG Guidelines, 2015. Collection method: clinical testing. Allele origin: germline.

Illumina Laboratory Services, Illumina
Classification: Benign for Hypokalemic periodic paralysis, type 1. Last evaluated: 2018-01-12. Review status: criteria provided, single submitter. Criteria: ICSL Variant Classification Criteria 13 December 2019. Collection method: clinical testing. Allele origin: germline.
Comment: This variant was observed in the ICSL laboratory as part of a predisposition screen in an ostensibly healthy population. It had not been previously curated by ICSL or reported in the Human Gene Mutation Database (HGMD: prior to June 1st, 2018), and was therefore a candidate for classification through an automated scoring system. Utilizing variant allele frequency, disease prevalence and penetrance estimates, and inheritance mode, an automated score was calculated to assess if this variant is too frequent to cause the disease. Based on the score and internal cut-off values, a variant classified as benign is not then subjected to further curation. The score for this variant resulted in a classification of benign for this disease.

PreventionGenetics, part of Exact Sciences
Classification: Likely benign for CACNA1S-related condition. Last evaluated: 2023-05-01. Review status: no assertion criteria provided. Collection method: clinical testing. Allele origin: germline. Not counted in ClinVar's aggregate classification.
Comment: This variant is classified as likely benign based on ACMG/AMP sequence variant interpretation guidelines (Richards et al. 2015 PMID: 25741868, with internal and published modifications).

Literature cited by the submitters: PubMed 24195946 (cited by Women's Health and Genetics/Laboratory Corporation of America, LabCorp).

NM_000069.3(CACNA1S):c.2957G>A (p.Arg986His)

Gene: CACNA1S (calcium voltage-gated channel subunit alpha1 S; minus strand). Cytogenetic location: 1q32.1.
Variant type: single nucleotide variant.
Coding change: c.2957G>A on transcript NM_000069.3 (MANE Select); coding-DNA position 2957, G replaced by A.
Protein change: p.Arg986His; replaces arginine 986 with histidine.
Molecular consequence: missense variant.
Genome position (GRCh38, 1-based): chr1:201,062,040, C>T on the plus strand (G>A on the coding strand, the complement: CACNA1S is on the minus strand). VCF-style: chr1-201062040-C-T. GRCh37 (hg19) VCF-style: chr1-201031168-C-T.
Other names: short protein forms R986H.
Identifiers: ClinVar variation 294736 (VCV000294736.24), dbSNP rs140453525, ClinGen allele CA079447.